The following is an entry in ClinVar:

ClinVar aggregate classification (germline): Likely benign. Review status: criteria provided, multiple submitters, no conflicts (2 of 4 stars). 3 submissions from 3 submitters: Likely benign (3). Last evaluated 2025-12-03.

Conditions:
Inborn genetic diseases. Identifiers: MedGen C0950123, MeSH D030342.
Charcot-Marie-Tooth disease type 2. Also called: Charcot-Marie-Tooth type 2. Identifiers: Orphanet 64746, MedGen C0270914, MONDO:0018993.

Allele frequency attached by ClinVar (database versions not stated): ESP Exome Variant Server 0.00008.
gnomAD v4.1: 15 of 1,614,214 alleles (0.00093%); highest among the groups gnomAD compares: Non-Finnish European, 0.0013%; no homozygotes.

Submissions (3):

Labcorp Genetics (formerly Invitae), Labcorp
Classification: Likely benign for Charcot-Marie-Tooth disease type 2. Last evaluated: 2025-12-03. Review status: criteria provided, single submitter. Criteria: Invitae Variant Classification Sherloc (09022015). Collection method: clinical testing. Allele origin: germline.

Ambry Genetics
Classification: Likely benign for Inborn genetic diseases. Last evaluated: 2019-07-11. Review status: criteria provided, single submitter. Criteria: Ambry Variant Classification Scheme 2023. Collection method: clinical testing. Allele origin: germline.

GeneDx
Classification: Likely benign. Last evaluated: 2017-12-29. Review status: criteria provided, single submitter. Criteria: GeneDx Variant Classification (06012015). Collection method: clinical testing. Allele origin: germline. Affected: yes.
Comment: This variant is considered likely benign or benign based on one or more of the following criteria: it is a conservative change, it occurs at a poorly conserved position in the protein, it is predicted to be benign by multiple in silico algorithms, and/or has population frequency not consistent with disease.

NM_001605.3(AARS1):c.96C>T (p.Ile32=)

Gene: AARS1 (alanyl-tRNA synthetase 1; minus strand). Cytogenetic location: 16q22.1.
Variant type: single nucleotide variant.
Coding change: c.96C>T on transcript NM_001605.3 (MANE Select); coding-DNA position 96, C replaced by T.
Protein change: p.Ile32=; no amino-acid change (isoleucine 32 retained).
Molecular consequence: synonymous variant.
Genome position (GRCh38, 1-based): chr16:70,282,668, G>A on the plus strand (C>T on the coding strand, the complement: AARS1 is on the minus strand). VCF-style: chr16-70282668-G-A. GRCh37 (hg19) VCF-style: chr16-70316571-G-A.
Identifiers: ClinVar variation 514331 (VCV000514331.4), dbSNP rs369590315, ClinGen allele CA283453858.